The following is an entry in ClinVar:

ClinVar aggregate classification (germline): Uncertain significance (1 of 4 stars; one submission).

Submission:

Labcorp Genetics (formerly Invitae), Labcorp
Classification: Uncertain significance. Last evaluated: 2022-09-06. Review status: criteria provided, single submitter. Criteria: Invitae Variant Classification Sherloc (09022015). Collection method: clinical testing. Allele origin: germline.
Comment: In summary, the available evidence is currently insufficient to determine the role of this variant in disease. Therefore, it has been classified as a Variant of Uncertain Significance. Experimental studies and prediction algorithms are not available or were not evaluated, and the functional significance of this variant is currently unknown. This variant has not been reported in the literature in individuals affected with GNPTG-related conditions. This variant is not present in population databases (gnomAD no frequency). This variant, c.659_664dup, results in the insertion of 2 amino acid(s) of the GNPTG protein (p.Thr221_Pro222insGlnThr), but otherwise preserves the integrity of the reading frame.

NM_032520.5(GNPTG):c.659_664dup (p.Thr221_Pro222insGlnThr)

Gene: GNPTG (N-acetylglucosamine-1-phosphate transferase subunit gamma; plus strand). Cytogenetic location: 16p13.3.
Variant type: Duplication.
Coding change: c.659_664dup on transcript NM_032520.5 (MANE Select); coding-DNA positions 659 to 664, 6 bases duplicated (AGACCC; older notation c.659_664dupAGACCC).
Protein change: p.Thr221_Pro222insGlnThr.
Molecular consequence: inframe insertion.
Genome position (GRCh38, 1-based): chr16:1,362,660-1,362,665, AGACCC duplicated. VCF-style (leftmost placement, unchanged base first): chr16-1362659-A-AAGACCC. GRCh37 (hg19) VCF-style: chr16-1412660-A-AAGACCC.
Identifiers: ClinVar variation 2415963 (VCV002415963.6), dbSNP rs1268628530, ClinGen allele CA718229381.